The following is an entry in ClinVar:

NM_015047.3(EMC1):c.2122G>A (p.Val708Ile)

Genes: EMC1 (ER membrane protein complex subunit 1; minus strand), EMC1-AS1 (EMC1 antisense RNA 1; plus strand). Cytogenetic location: 1p36.13.
Variant type: single nucleotide variant.
Coding change: c.2122G>A on transcript NM_015047.3 (MANE Select); coding-DNA position 2122, G replaced by A.
Protein change: p.Val708Ile; replaces valine 708 with isoleucine.
Molecular consequence: missense variant.
Genome position (GRCh38, 1-based): chr1:19,227,393, C>T on the plus strand (G>A on the coding strand, the complement: EMC1 is on the minus strand). VCF-style: chr1-19227393-C-T. GRCh37 (hg19) VCF-style: chr1-19553887-C-T.
Other names: c.2119G>A, p.Val707Ile (NM_001271427.2, NM_001271428.2); c.2056G>A, p.Val686Ile (NM_001271429.2); c.2131G>A, p.Val711Ile (NM_001375820.1); c.2128G>A, p.Val710Ile (NM_001375821.1); c.2122G>A (NM_015047.1); short protein forms V686I, V710I, V711I, V707I, V708I.
Identifiers: ClinVar variation 845914 (VCV000845914.8), dbSNP rs139714938, ClinGen allele CA652387.

ClinVar aggregate classification (germline): Uncertain significance. Review status: criteria provided, multiple submitters, no conflicts (2 of 4 stars). 2 submissions from 2 submitters: Uncertain significance (2). Last evaluated 2025-11-17.

Conditions:
Inborn genetic diseases. Identifiers: MedGen C0950123, MeSH D030342.

Allele frequency attached by ClinVar (database versions not stated): TOPMed 0.00003; ESP Exome Variant Server 0.00015.
gnomAD v4.1: 116 of 1,614,106 alleles (0.0072%); highest among the groups gnomAD compares: Middle Eastern, 0.23%; 1 homozygote.

Submissions (2):

Labcorp Genetics (formerly Invitae), Labcorp
Classification: Uncertain significance. Last evaluated: 2025-11-17. Review status: criteria provided, single submitter. Criteria: Invitae Variant Classification Sherloc (09022015). Collection method: clinical testing. Allele origin: germline.
Comment: This sequence change replaces valine, which is neutral and non-polar, with isoleucine, which is neutral and non-polar, at codon 708 of the EMC1 protein (p.Val708Ile). This variant is present in population databases (rs139714938, gnomAD 0.05%). This variant has not been reported in the literature in individuals affected with EMC1-related conditions. ClinVar contains an entry for this variant (Variation ID: 845914). Invitae Evidence Modeling of protein sequence and biophysical properties (such as structural, functional, and spatial information, amino acid conservation, physicochemical variation, residue mobility, and thermodynamic stability) indicates that this missense variant is not expected to disrupt EMC1 protein function with a negative predictive value of 80%. In summary, the available evidence is currently insufficient to determine the role of this variant in disease. Therefore, it has been classified as a Variant of Uncertain Significance.

Ambry Genetics
Classification: Uncertain significance for Inborn genetic diseases. Last evaluated: 2025-06-16. Review status: criteria provided, single submitter. Criteria: Ambry Variant Classification Scheme 2023. Collection method: clinical testing. Allele origin: germline.